The following is an entry in ClinVar:

NM_080473.5(GATA5):c.989A>C (p.Lys330Thr)

Gene: GATA5 (GATA binding protein 5; minus strand). Cytogenetic location: 20q13.33.
Variant type: single nucleotide variant.
Coding change: c.989A>C on transcript NM_080473.5 (MANE Select); coding-DNA position 989, A replaced by C.
Protein change: p.Lys330Thr; replaces lysine 330 with threonine.
Molecular consequence: missense variant.
Genome position (GRCh38, 1-based): chr20:62,465,389, T>G on the plus strand (A>C on the coding strand, the complement: GATA5 is on the minus strand). VCF-style: chr20-62465389-T-G. GRCh37 (hg19) VCF-style: chr20-61040445-T-G.
Other names: short protein forms K330T.
Identifiers: ClinVar variation 3657244 (VCV003657244.2).
Genomic context (GRCh38, chr20:62,465,389, plus strand): 5'-CACCCCCTTACCTGGGGGGCCATGCTGGGCCCAGGGCACACTGGGGACGCCAGGCTGGGC[T>G]TGGCTTTCGAAGTGGCTGCTGAGCTGTCAGTGCTGGCGACAGCAGATGGGGAGGCCGAGG-3'
Protein context (NP_536721.1, residues 320-340): TDSSAATSKA[Lys330Thr]PSLASPVCPG

ClinVar aggregate classification (germline): Uncertain significance (1 of 4 stars; one submission).

Submission:

Labcorp Genetics (formerly Invitae), Labcorp
Classification: Uncertain significance. Last evaluated: 2024-06-26. Review status: criteria provided, single submitter. Criteria: Invitae Variant Classification Sherloc (09022015). Collection method: clinical testing. Allele origin: germline.
Comment: This sequence change replaces lysine, which is basic and polar, with threonine, which is neutral and polar, at codon 330 of the GATA5 protein (p.Lys330Thr). This variant is not present in population databases (gnomAD no frequency). This variant has not been reported in the literature in individuals affected with GATA5-related conditions. Advanced modeling of protein sequence and biophysical properties (such as structural, functional, and spatial information, amino acid conservation, physicochemical variation, residue mobility, and thermodynamic stability) performed at Invitae indicates that this missense variant is not expected to disrupt GATA5 protein function with a negative predictive value of 80%. In summary, the available evidence is currently insufficient to determine the role of this variant in disease. Therefore, it has been classified as a Variant of Uncertain Significance.